The following is an entry in ClinVar:

NM_000245.4(MET):c.3998T>G (p.Leu1333Arg)

Gene: MET (MET proto-oncogene, receptor tyrosine kinase; plus strand). Cytogenetic location: 7q31.2.
Variant type: single nucleotide variant.
Coding change: c.3998T>G on transcript NM_000245.4 (MANE Select); coding-DNA position 3998, T replaced by G.
Protein change: p.Leu1333Arg; replaces leucine 1333 with arginine.
Molecular consequence: missense variant.
Genome position (GRCh38, 1-based): chr7:116,795,949, T>G. VCF-style: chr7-116795949-T-G. GRCh37 (hg19) VCF-style: chr7-116436003-T-G.
Other names: c.4052T>G, p.Leu1351Arg (NM_001127500.3); c.2708T>G, p.Leu903Arg (NM_001324402.2); short protein forms L903R, L1351R, L1333R.
Identifiers: ClinVar variation 2776790 (VCV002776790.5), dbSNP rs2485874218, ClinGen allele CA369118185.

ClinVar aggregate classification (germline): Uncertain significance. Review status: criteria provided, multiple submitters, no conflicts (2 of 4 stars). 2 submissions from 2 submitters: Uncertain significance (2). Last evaluated 2026-07-09.

Conditions:
Hereditary cancer-predisposing syndrome. Also called: Hereditary Cancer Syndrome; Hereditary neoplastic syndrome; Neoplastic Syndromes, Hereditary; Tumor predisposition. Identifiers: Orphanet 140162, MedGen C0027672, MeSH D009386, MONDO:0015356.
Renal cell carcinoma. Identifiers: Orphanet 217071, MedGen C0007134, MeSH D002292, MONDO:0005086, HP:0005584.

Submissions (2):

Ambry Genetics
Classification: Uncertain significance for Hereditary cancer-predisposing syndrome. Last evaluated: 2026-07-09. Review status: criteria provided, single submitter. Criteria: Ambry Variant Classification Scheme 2023. Collection method: clinical testing. Allele origin: germline.
Comment: The p.L1351R variant (also known as c.4052T>G), located in coding exon 20 of the MET gene, results from a T to G substitution at nucleotide position 4052. The leucine at codon 1351 is replaced by arginine, an amino acid with dissimilar properties. This amino acid position is highly conserved in available vertebrate species. In addition, this alteration is predicted to be deleterious by in silico analysis. Based on the available evidence, the clinical significance of this variant remains unclear.

Labcorp Genetics (formerly Invitae), Labcorp
Classification: Uncertain significance for Renal cell carcinoma. Last evaluated: 2023-07-19. Review status: criteria provided, single submitter. Criteria: Invitae Variant Classification Sherloc (09022015). Collection method: clinical testing. Allele origin: germline.
Comment: This sequence change replaces leucine, which is neutral and non-polar, with arginine, which is basic and polar, at codon 1351 of the MET protein (p.Leu1351Arg). This variant is not present in population databases (gnomAD no frequency). This variant has not been reported in the literature in individuals affected with MET-related conditions. Advanced modeling of protein sequence and biophysical properties (such as structural, functional, and spatial information, amino acid conservation, physicochemical variation, residue mobility, and thermodynamic stability) performed at Invitae indicates that this missense variant is expected to disrupt MET protein function. In summary, the available evidence is currently insufficient to determine the role of this variant in disease. Therefore, it has been classified as a Variant of Uncertain Significance.